The following is an entry in ClinVar:

NM_001330260.2(SCN8A):c.5777A>T (p.Glu1926Val)

Gene: SCN8A (sodium voltage-gated channel alpha subunit 8; plus strand). Cytogenetic location: 12q13.13.
Variant type: single nucleotide variant.
Coding change: c.5777A>T on transcript NM_001330260.2 (MANE Select); coding-DNA position 5777, A replaced by T.
Protein change: p.Glu1926Val; replaces glutamic acid 1926 with valine.
Molecular consequence: missense variant.
Genome position (GRCh38, 1-based): chr12:51,807,263, A>T. VCF-style: chr12-51807263-A-T. GRCh37 (hg19) VCF-style: chr12-52201047-A-T.
Other names: c.5654A>T, p.Glu1885Val (NM_001177984.3, NM_001369788.1); c.5777A>T, p.Glu1926Val (NM_014191.4); short protein forms E1885V, E1926V.
Identifiers: ClinVar variation 2785711 (VCV002785711.3), dbSNP rs2540336328, ClinGen allele CA384889347.
Genomic context (GRCh38, chr12:51,807,263, plus strand): 5'-ACCGGGGACATTTGGCAAGGCGGGGCTTCATCTGCAAAAAGACAACTTCTAATAAGCTGG[A>T]GAATGGAGGCACACACCGGGAGAAAAAAGAGAGCACCCCATCTACAGCCTCCCTCCCGTC-3'
Protein context (NP_001317189.1, residues 1916-1936): ICKKTTSNKL[Glu1926Val]NGGTHREKKE

ClinVar aggregate classification (germline): Uncertain significance (1 of 4 stars; one submission).

Conditions:
Early-infantile DEE. Also called: Ohtahara syndrome; Early infantile epileptic encephalopathy; Early infantile epileptic encephalopathy with suppression bursts. Identifiers: Orphanet 1934, MedGen C0393706, MONDO:0800491.

Submission:

Labcorp Genetics (formerly Invitae), Labcorp
Classification: Uncertain significance for Early-infantile DEE. Last evaluated: 2023-08-10. Review status: criteria provided, single submitter. Criteria: Invitae Variant Classification Sherloc (09022015). Collection method: clinical testing. Allele origin: germline.
Comment: In summary, the available evidence is currently insufficient to determine the role of this variant in disease. Therefore, it has been classified as a Variant of Uncertain Significance. Advanced modeling of protein sequence and biophysical properties (such as structural, functional, and spatial information, amino acid conservation, physicochemical variation, residue mobility, and thermodynamic stability) performed at Invitae indicates that this missense variant is not expected to disrupt SCN8A protein function. This variant has not been reported in the literature in individuals affected with SCN8A-related conditions. This variant is not present in population databases (gnomAD no frequency). This sequence change replaces glutamic acid, which is acidic and polar, with valine, which is neutral and non-polar, at codon 1926 of the SCN8A protein (p.Glu1926Val).